The following is an entry in ClinVar:

NM_004108.3(FCN2):c.559+1G>T

Gene: FCN2 (ficolin 2; plus strand). Cytogenetic location: 9q34.3.
Variant type: single nucleotide variant.
Coding change: c.559+1G>T on transcript NM_004108.3 (MANE Select); the canonical splice donor site of the intron after coding-DNA position 559, G replaced by T.
Molecular consequence: splice donor variant.
Genome position (GRCh38, 1-based): chr9:134,885,898, G>T. VCF-style: chr9-134885898-G-T. GRCh37 (hg19) VCF-style: chr9-137777744-G-T.
Other names: c.445+1G>T (NM_015837.3).
Identifiers: ClinVar variation 3256929 (VCV003256929.1).

ClinVar aggregate classification (germline): Likely pathogenic (1 of 4 stars; one submission).

Conditions:
Susceptibility to severe COVID-19.

Submission:

Molecular Medicine Center, Medical University of Sofia
Classification: Likely pathogenic for Susceptibility to severe COVID-19. Last evaluated: 2024-07-22. Review status: criteria provided, single submitter. Criteria: ACMG Guidelines, 2015. Collection method: research. Allele origin: germline. Affected: yes.
Comment: Novel (unreported in gnomAD or dbSNP until April 2024) variant found in severely infected COVID-19 Bulgarian patients in a research study. Variant is classified as likely pathogenic according to the ACMG criteria: PM2,PVS1.